The following is an entry in ClinVar:

NM_002529.4(NTRK1):c.954T>C (p.Asn318=)

Gene: NTRK1 (neurotrophic receptor tyrosine kinase 1; plus strand). Cytogenetic location: 1q23.1.
Variant type: single nucleotide variant.
Coding change: c.954T>C on transcript NM_002529.4 (MANE Select); coding-DNA position 954, T replaced by C.
Protein change: p.Asn318=; no amino-acid change (asparagine 318 retained).
Molecular consequence: synonymous variant.
Genome position (GRCh38, 1-based): chr1:156,873,736, T>C. VCF-style: chr1-156873736-T-C. GRCh37 (hg19) VCF-style: chr1-156843528-T-C.
Other names: p.Asn318=; c.864T>C, p.Asn288= (NM_001007792.1); c.954T>C, p.Asn318= (NM_001012331.2).
Identifiers: ClinVar variation 703101 (VCV000703101.15), dbSNP rs769539870, ClinGen allele CA1169153.

ClinVar aggregate classification (germline): Likely benign. Review status: criteria provided, multiple submitters, no conflicts (2 of 4 stars). 4 submissions from 4 submitters: Likely benign (3). 1 of the submissions does not count toward it. Last evaluated 2026-02-01.

Conditions:
Hereditary insensitivity to pain with anhidrosis (CIPA). Also called: FAMILIAL DYSAUTONOMIA, TYPE II; NEUROPATHY, CONGENITAL SENSORY, WITH ANHIDROSIS; NTRK1 Congenital Insensitivity to Pain with Anhidrosis; HSAN Type IV; INSENSITIVITY TO PAIN, CONGENITAL, WITH ANHIDROSIS; hereditary sensory and autonomic neuropathy type 4. Identifiers: Orphanet 642, MedGen C0020074, MONDO:0009746, OMIM 256800.

Allele frequency attached by ClinVar (database versions not stated): gnomAD exomes 0.00001 and 0.00002; gnomAD 0.00002 and 0.00003; ExAC 0.00003; TOPMed 0.00003.
gnomAD v4.1: 49 of 1,613,056 alleles (0.003%); highest among the groups gnomAD compares: East Asian, 0.022%; 2 homozygotes.

Submissions (4):

Labcorp Genetics (formerly Invitae), Labcorp
Classification: Likely benign for Hereditary insensitivity to pain with anhidrosis. Last evaluated: 2026-02-01. Review status: criteria provided, single submitter. Criteria: Invitae Variant Classification Sherloc (09022015). Collection method: clinical testing. Allele origin: germline.

Mayo Clinic Laboratories, Mayo Clinic
Classification: Likely benign. Last evaluated: 2024-12-17. Review status: criteria provided, single submitter. Criteria: ACMG Guidelines, 2015. Collection method: clinical testing. Allele origin: germline. Observed: 1 variant allele.
Comment: BP4, BP7

Blueprint Genetics
Classification: Likely benign. Last evaluated: 2024-04-08. Review status: criteria provided, single submitter. Criteria: ACMG Guidelines, 2015. Collection method: clinical testing. Allele origin: germline.

Natera, Inc.
Classification: Uncertain significance for Hereditary insensitivity to pain with anhidrosis. Last evaluated: 2020-01-24. Review status: no assertion criteria provided. Collection method: clinical testing. Allele origin: germline. Not counted in ClinVar's aggregate classification.